The following is an entry in ClinVar:

ClinVar aggregate classification (germline): Uncertain significance (1 of 4 stars; one submission).

Conditions:
Charcot-Marie-Tooth disease type 2. Also called: Charcot-Marie-Tooth type 2. Identifiers: Orphanet 64746, MedGen C0270914, MONDO:0018993.

gnomAD v4.1: 2 of 1,614,062 alleles (0.00012%); highest among the groups gnomAD compares: Non-Finnish European, 0.00017%; no homozygotes.

Submission:

Labcorp Genetics (formerly Invitae), Labcorp
Classification: Uncertain significance for Charcot-Marie-Tooth disease type 2. Last evaluated: 2023-05-22. Review status: criteria provided, single submitter. Criteria: Invitae Variant Classification Sherloc (09022015). Collection method: clinical testing. Allele origin: germline.
Comment: In summary, the available evidence is currently insufficient to determine the role of this variant in disease. Therefore, it has been classified as a Variant of Uncertain Significance. Advanced modeling of protein sequence and biophysical properties (such as structural, functional, and spatial information, amino acid conservation, physicochemical variation, residue mobility, and thermodynamic stability) performed at Invitae indicates that this missense variant is not expected to disrupt AARS protein function. This variant has not been reported in the literature in individuals affected with AARS-related conditions. This variant is not present in population databases (gnomAD no frequency). This sequence change replaces alanine, which is neutral and non-polar, with threonine, which is neutral and polar, at codon 910 of the AARS protein (p.Ala910Thr).

NM_001605.3(AARS1):c.2728G>A (p.Ala910Thr)

Gene: AARS1 (alanyl-tRNA synthetase 1; minus strand). Cytogenetic location: 16q22.1.
Variant type: single nucleotide variant.
Coding change: c.2728G>A on transcript NM_001605.3 (MANE Select); coding-DNA position 2728, G replaced by A.
Protein change: p.Ala910Thr; replaces alanine 910 with threonine.
Molecular consequence: missense variant.
Genome position (GRCh38, 1-based): chr16:70,252,900, C>T on the plus strand (G>A on the coding strand, the complement: AARS1 is on the minus strand). VCF-style: chr16-70252900-C-T. GRCh37 (hg19) VCF-style: chr16-70286803-C-T.
Other names: short protein forms A910T.
Identifiers: ClinVar variation 2867139 (VCV002867139.3), dbSNP rs1218092159, ClinGen allele CA396554558.